The following is an entry in ClinVar:

NM_020297.4(ABCC9):c.3315+296C>G

Gene: ABCC9 (ATP binding cassette subfamily C member 9; minus strand). Cytogenetic location: 12p12.1.
Variant type: single nucleotide variant.
Coding change: c.3315+296C>G on transcript NM_020297.4 (MANE Select); 296 bases into the intron after coding-DNA position 3315, C replaced by G.
Molecular consequence: intron variant.
Genome position (GRCh38, 1-based): chr12:21,844,187, G>C on the plus strand (C>G on the coding strand, the complement: ABCC9 is on the minus strand). VCF-style: chr12-21844187-G-C. GRCh37 (hg19) VCF-style: chr12-21997121-G-C.
Other names: NC_000012.11:g.21997121G>C; c.2448+296C>G (NM_001377274.1); c.3315+296C>G (NM_005691.4, NM_001377273.1).
Identifiers: ClinVar variation 681192 (VCV000681192.2), dbSNP rs2307026, ClinGen allele CA233632823.

ClinVar aggregate classification (germline): Benign (1 of 4 stars; one submission).

Allele frequency attached by ClinVar (database versions not stated): TOPMed 0.03790; 1000 Genomes Project 30x 0.05606; 1000 Genomes Project 0.06070.
gnomAD v4.1: 7,830 of 152,158 alleles (5.1%); highest among the groups gnomAD compares: South Asian, 11%; 328 homozygotes.

Submissions (3):

GeneDx
Classification: Benign. Last evaluated: 2018-06-14. Review status: criteria provided, single submitter. Criteria: GeneDx Variant Classification (06012015). Collection method: clinical testing. Allele origin: germline. Affected: yes.
Comment: This variant is considered likely benign or benign based on one or more of the following criteria: it is a conservative change, it occurs at a poorly conserved position in the protein, it is predicted to be benign by multiple in silico algorithms, and/or has population frequency not consistent with disease.

Dr. Peter K. Rogan Lab, Western University
No classification provided (evidence only). Condition: Malignant tumor of esophagus. Review status: no classification provided. Collection method: in vitro. Allele origin: not applicable. Functional consequence: retained intron. Not counted in ClinVar's aggregate classification.

Dr. Peter K. Rogan Lab, Western University
No classification provided (evidence only). Condition: Malignant tumor of esophagus. Review status: no classification provided. Collection method: in vitro. Allele origin: not applicable. Functional consequence: retained intron. Not counted in ClinVar's aggregate classification.